The following is an entry in ClinVar:

ClinVar aggregate classification (germline): Uncertain significance. Review status: criteria provided, multiple submitters, no conflicts (2 of 4 stars). 7 submissions from 7 submitters: Uncertain significance (6). 1 of the submissions does not count toward it. Last evaluated 2024-03-14.

Conditions:
Hereditary cancer-predisposing syndrome. Also called: Hereditary neoplastic syndrome; Neoplastic Syndromes, Hereditary; Tumor predisposition; Hereditary Cancer Syndrome. Identifiers: Orphanet 140162, MedGen C0027672, MeSH D009386, MONDO:0015356.
Hereditary breast ovarian cancer syndrome. Also called: Hereditary breast and ovarian cancer syndrome; Hereditary breast and/or ovarian cancer syndrome; BRCA1- and BRCA2-Associated Hereditary Breast and Ovarian Cancer; Hereditary breast and ovarian cancer syndrome (HBOC); Hereditary breast and ovarian cancer; Breast and ovarian cancer. Identifiers: Orphanet 145, MedGen C0677776, MeSH D061325, MONDO:0003582. Disease mechanism: loss of function.
Breast-ovarian cancer, familial, susceptibility to, 2 (BROVCA2). Also called: BRCA2 Hereditary Breast and Ovarian Cancer. Identifiers: Orphanet 145, MedGen C2675520, MONDO:0012933, OMIM 612555. Disease mechanism: loss of function.
Familial cancer of breast. Also called: Hereditary breast cancer; hereditary breast carcinoma; BREAST CANCER, FAMILIAL. Identifiers: Orphanet 227535, MedGen C0346153, MONDO:0016419, OMIM 114480. Disease mechanism: loss of function.

Submissions (7):

GeneDx
Classification: Uncertain significance. Last evaluated: 2024-03-14. Review status: criteria provided, single submitter. Criteria: GeneDx Variant Classification Process June 2021. Collection method: clinical testing. Allele origin: germline. Affected: yes.
Comment: Not observed at significant frequency in large population cohorts (gnomAD); In silico analysis supports that this missense variant does not alter protein structure/function; Has not been previously published as pathogenic or benign to our knowledge; Also known as 7135T>C

Labcorp Genetics (formerly Invitae), Labcorp
Classification: Uncertain significance for Hereditary breast ovarian cancer syndrome. Last evaluated: 2023-12-12. Review status: criteria provided, single submitter. Criteria: Invitae Variant Classification Sherloc (09022015). Collection method: clinical testing. Allele origin: germline.
Comment: This sequence change replaces serine, which is neutral and polar, with proline, which is neutral and non-polar, at codon 2303 of the BRCA2 protein (p.Ser2303Pro). This variant is not present in population databases (gnomAD no frequency). This variant has not been reported in the literature in individuals affected with BRCA2-related conditions. ClinVar contains an entry for this variant (Variation ID: 409603). Advanced modeling of protein sequence and biophysical properties (such as structural, functional, and spatial information, amino acid conservation, physicochemical variation, residue mobility, and thermodynamic stability) performed at Invitae indicates that this missense variant is not expected to disrupt BRCA2 protein function with a negative predictive value of 95%. In summary, the available evidence is currently insufficient to determine the role of this variant in disease. Therefore, it has been classified as a Variant of Uncertain Significance.

Color Diagnostics, LLC DBA Color Health
Classification: Uncertain significance for Hereditary cancer-predisposing syndrome. Last evaluated: 2023-07-17. Review status: criteria provided, single submitter. Criteria: ACMG Guidelines, 2015. Collection method: clinical testing. Allele origin: germline.
Comment: This missense variant replaces serine with proline at codon 2303 of the BRCA2 protein. Computational prediction suggests that this variant may not impact protein structure and function (internally defined REVEL score threshold <= 0.5, PMID: 27666373). To our knowledge, functional studies have not been reported for this variant. This variant has not been reported in individuals affected with BRCA2-related disorders in the literature. This variant has not been identified in the general population by the Genome Aggregation Database (gnomAD). The available evidence is insufficient to determine the role of this variant in disease conclusively. Therefore, this variant is classified as a Variant of Uncertain Significance.

Baylor Genetics
Classification: Uncertain significance for Familial cancer of breast. Last evaluated: 2023-07-10. Review status: criteria provided, single submitter. Criteria: ACMG Guidelines, 2015. Collection method: clinical testing. Allele origin: unknown.

Quest Diagnostics Nichols Institute San Juan Capistrano
Classification: Uncertain significance. Last evaluated: 2023-07-10. Review status: criteria provided, single submitter. Criteria: Quest Diagnostics criteria. Collection method: clinical testing. Allele origin: unknown.
Comment: This variant has not been reported in the published literature. It also has not been reported in large, multi-ethnic general populations (Genome Aggregation Database). Analysis of this variant using bioinformatics tools for the prediction of the effect of amino acid changes on protein structure and function yielded predictions that this variant is benign. Based on the available information, we are unable to determine the clinical significance of this variant.

Ambry Genetics
Classification: Uncertain significance for Hereditary cancer-predisposing syndrome. Last evaluated: 2023-05-05. Review status: criteria provided, single submitter. Criteria: Ambry Variant Classification Scheme 2023. Collection method: clinical testing. Allele origin: germline.
Comment: The p.S2303P variant (also known as c.6907T>C), located in coding exon 11 of the BRCA2 gene, results from a T to C substitution at nucleotide position 6907. The serine at codon 2303 is replaced by proline, an amino acid with similar properties. This amino acid position is well conserved in available vertebrate species. In addition, the in silico prediction for this alteration is inconclusive. Since supporting evidence is limited at this time, the clinical significance of this alteration remains unclear.

Counsyl
Classification: Uncertain significance for Breast-ovarian cancer, familial, susceptibility to, 2. Last evaluated: 2017-08-23. Review status: no assertion criteria provided. Collection method: clinical testing. Allele origin: unknown. Not counted in ClinVar's aggregate classification.

NM_000059.4(BRCA2):c.6907T>C (p.Ser2303Pro)

Gene: BRCA2 (BRCA2 DNA repair associated; plus strand). Cytogenetic location: 13q13.1.
Variant type: single nucleotide variant.
Coding change: c.6907T>C on transcript NM_000059.4 (MANE Select); coding-DNA position 6907, T replaced by C.
Protein change: p.Ser2303Pro; replaces serine 2303 with proline.
Molecular consequence: missense variant.
Genome position (GRCh38, 1-based): chr13:32,344,623, T>C. VCF-style: chr13-32344623-T-C. GRCh37 (hg19) VCF-style: chr13-32918760-T-C.
Other names: short protein forms S2303P.
Identifiers: ClinVar variation 409603 (VCV000409603.20), dbSNP rs1060502494, ClinGen allele CA16614202.